The following is an entry in ClinVar:

NM_007294.4(BRCA1):c.4178C>G (p.Thr1393Ser)

Gene: BRCA1 (BRCA1 DNA repair associated; minus strand). Cytogenetic location: 17q21.31.
Variant type: single nucleotide variant.
Coding change: c.4178C>G on transcript NM_007294.4 (MANE Select); coding-DNA position 4178, C replaced by G.
Protein change: p.Thr1393Ser; replaces threonine 1393 with serine.
Molecular consequence: missense variant. On other transcripts: non-coding transcript variant (1).
Genome position (GRCh38, 1-based): chr17:43,090,951, G>C on the plus strand (C>G on the coding strand, the complement: BRCA1 is on the minus strand). VCF-style: chr17-43090951-G-C. GRCh37 (hg19) VCF-style: chr17-41242968-G-C.
Other names: c.3965C>G, p.Thr1322Ser (NM_001407571.1, NM_001407853.1, NM_001407894.1 and 9 more transcripts); c.4178C>G, p.Thr1393Ser (NM_001407581.1, NM_001407582.1, NM_001407583.1 and 30 more transcripts); c.4175C>G, p.Thr1392Ser (NM_001407587.1, NM_001407590.1, NM_001407591.1 and 22 more transcripts); c.4169C>G, p.Thr1390Ser (NM_001407646.1, NM_001407647.1); c.4055C>G, p.Thr1352Ser (NM_001407648.1, NM_001407664.1, NM_001407665.1 and 19 more transcripts); c.4052C>G, p.Thr1351Ser (NM_001407649.1, NM_001407670.1, NM_001407671.1 and 11 more transcripts); c.4100C>G, p.Thr1367Ser (NM_001407653.1, NM_001407654.1, NM_001407655.1 and 4 more transcripts); c.4037C>G, p.Thr1346Ser (NM_001407728.1, NM_001407729.1, NM_001407730.1 and 29 more transcripts); and 41 more; short protein forms T1393S, T1346S, T290S, T122S, T1282S, T1322S, T1323S, T1351S.
Identifiers: ClinVar variation 531373 (VCV000531373.18), dbSNP rs1555586071, ClinGen allele CA10593366.

ClinVar aggregate classification (germline): Conflicting classifications of pathogenicity. Review status: criteria provided, conflicting classifications (1 of 4 stars). 5 submissions from 5 submitters: Uncertain significance (4); Likely benign (1). Last evaluated 2025-02-02.

Conditions:
Hereditary breast ovarian cancer syndrome. Also called: Breast and ovarian cancer; Hereditary breast and/or ovarian cancer syndrome; BRCA1- and BRCA2-Associated Hereditary Breast and Ovarian Cancer; Hereditary breast and ovarian cancer syndrome; Hereditary breast and ovarian cancer syndrome (HBOC); Hereditary breast and ovarian cancer. Identifiers: Orphanet 145, MedGen C0677776, MeSH D061325, MONDO:0003582. Disease mechanism: loss of function.
Breast-ovarian cancer, familial, susceptibility to, 1 (BROVCA1). Also called: BRCA1 Hereditary Breast and Ovarian Cancer; OVARIAN CANCER, SUSCEPTIBILITY TO. Identifiers: Orphanet 145, MedGen C2676676, MONDO:0011450, OMIM 604370. Disease mechanism: loss of function.
Hereditary cancer-predisposing syndrome. Also called: Tumor predisposition; Hereditary Cancer Syndrome; Hereditary neoplastic syndrome; Neoplastic Syndromes, Hereditary. Identifiers: Orphanet 140162, MedGen C0027672, MeSH D009386, MONDO:0015356.

Submissions (5):

Ambry Genetics
Classification: Uncertain significance for Hereditary cancer-predisposing syndrome. Last evaluated: 2025-02-02. Review status: criteria provided, single submitter. Criteria: Ambry Variant Classification Scheme 2023. Collection method: clinical testing. Allele origin: germline.
Comment: The p.T1393S variant (also known as c.4178C>G), located in coding exon 10 of the BRCA1 gene, results from a C to G substitution at nucleotide position 4178. The threonine at codon 1393 is replaced by serine, an amino acid with similar properties. This amino acid position is highly conserved in available vertebrate species. In addition, the in silico prediction for this alteration is inconclusive. Since supporting evidence is limited at this time, the clinical significance of this alteration remains unclear.

Myriad Genetics, Inc.
Classification: Likely benign for Breast-ovarian cancer, familial, susceptibility to, 1. Last evaluated: 2024-09-19. Review status: criteria provided, single submitter. Criteria: Myriad Autosomal Dominant, Autosomal Recessive and X-Linked Classification Criteria (2023). Collection method: clinical testing. Allele origin: unknown.
Comment: This variant is considered likely benign. This variant is strongly associated with less severe personal and family histories of cancer, typical for individuals without pathogenic variants in this gene [PMID: 25085752].

Color Diagnostics, LLC DBA Color Health
Classification: Uncertain significance for Hereditary cancer-predisposing syndrome. Last evaluated: 2024-04-29. Review status: criteria provided, single submitter. Criteria: ACMG Guidelines, 2015. Collection method: clinical testing. Allele origin: germline.
Comment: This missense variant replaces threonine with serine at codon 1393 of the BRCA1 protein. Computational prediction suggests that this variant may not impact protein structure and function. To our knowledge, functional studies have not been reported for this variant. This variant has not been reported as a germline variant in individuals affected with BRCA1-related disorders in the literature. This variant has not been identified in the general population by the Genome Aggregation Database (gnomAD). The available evidence is insufficient to determine the role of this variant in disease conclusively. Therefore, this variant is classified as a Variant of Uncertain Significance.

Labcorp Genetics (formerly Invitae), Labcorp
Classification: Uncertain significance for Hereditary breast ovarian cancer syndrome. Last evaluated: 2024-02-01. Review status: criteria provided, single submitter. Criteria: Invitae Variant Classification Sherloc (09022015). Collection method: clinical testing. Allele origin: germline.
Comment: This sequence change replaces threonine, which is neutral and polar, with serine, which is neutral and polar, at codon 1393 of the BRCA1 protein (p.Thr1393Ser). This variant is not present in population databases (gnomAD no frequency). This variant has not been reported in the literature in individuals affected with BRCA1-related conditions. ClinVar contains an entry for this variant (Variation ID: 531373). Advanced modeling of protein sequence and biophysical properties (such as structural, functional, and spatial information, amino acid conservation, physicochemical variation, residue mobility, and thermodynamic stability) performed at Invitae indicates that this missense variant is not expected to disrupt BRCA1 protein function with a negative predictive value of 95%. In summary, the available evidence is currently insufficient to determine the role of this variant in disease. Therefore, it has been classified as a Variant of Uncertain Significance.

Women's Health and Genetics/Laboratory Corporation of America, LabCorp
Classification: Uncertain significance. Last evaluated: 2022-12-09. Review status: criteria provided, single submitter. Criteria: LabCorp Variant Classification Summary - May 2015. Collection method: clinical testing. Allele origin: germline.

Literature cited by the submitters: PubMed 25085752 (cited by Myriad Genetics, Inc.).